The following is an entry in ClinVar:

NM_001128840.3(CACNA1D):c.954G>A (p.Ala318=)

Gene: CACNA1D (calcium voltage-gated channel subunit alpha1 D; plus strand). Cytogenetic location: 3p21.1.
Variant type: single nucleotide variant.
Coding change: c.954G>A on transcript NM_001128840.3 (MANE Select); coding-DNA position 954, G replaced by A.
Protein change: p.Ala318=; no amino-acid change (alanine 318 retained).
Molecular consequence: synonymous variant.
Genome position (GRCh38, 1-based): chr3:53,666,373, G>A. VCF-style: chr3-53666373-G-A. GRCh37 (hg19) VCF-style: chr3-53700400-G-A.
Other names: p.Ala318=; c.954G>A, p.Ala318= (NM_000720.4, NM_001128839.3).
Identifiers: ClinVar variation 226481 (VCV000226481.51), dbSNP rs147336902, ClinGen allele CA2453798.

ClinVar aggregate classification (germline): Benign/Likely benign. Review status: criteria provided, multiple submitters, no conflicts (2 of 4 stars). 13 submissions from 13 submitters: Benign (9); Likely benign (1). 3 of the submissions do not count toward it. Last evaluated 2026-09-01.

Conditions:
Sinoatrial node dysfunction and deafness (SANDD). Identifiers: Orphanet 324321, MedGen C3554018, MONDO:0013960, OMIM 614896.
Aldosterone-producing adenoma with seizures and neurological abnormalities. Also called: Primary aldosteronism, seizures, and neurologic abnormalities. Identifiers: Orphanet 369929, MedGen C3809609, MONDO:0014200, OMIM 615474.
CACNA1D-related disorder.

Allele frequency attached by ClinVar (database versions not stated): 1000 Genomes Project 0.00180; 1000 Genomes Project 30x 0.00203; TOPMed 0.00347; gnomAD 0.00391 and 0.00397; ExAC 0.00399; ESP Exome Variant Server 0.00431.
gnomAD v4.1: 8,264 of 1,614,136 alleles (0.51%); highest among the groups gnomAD compares: South Asian, 0.67%; 43 homozygotes.

Submissions (13):

CeGaT Center for Human Genetics Tuebingen
Classification: Likely benign. Last evaluated: 2026-09-01. Review status: criteria provided, single submitter. Criteria: CeGaT Center For Human Genetics Tuebingen Variant Classification Criteria Version 2. Collection method: clinical testing. Allele origin: germline. Affected: yes. Observed: 11 variant alleles.
Comment: CACNA1D: BP4, BP7, BS2

Labcorp Genetics (formerly Invitae), Labcorp
Classification: Benign. Last evaluated: 2026-02-03. Review status: criteria provided, single submitter. Criteria: Invitae Variant Classification Sherloc (09022015). Collection method: clinical testing. Allele origin: germline.

ARUP Laboratories, Molecular Genetics and Genomics, ARUP Laboratories
Classification: Benign. Last evaluated: 2025-02-20. Review status: criteria provided, single submitter. Criteria: ARUP Molecular Germline Variant Investigation Process 2024. Collection method: clinical testing. Allele origin: germline.

Mayo Clinic Laboratories, Mayo Clinic
Classification: Benign. Last evaluated: 2025-01-07. Review status: criteria provided, single submitter. Criteria: ACMG Guidelines, 2015. Collection method: clinical testing. Allele origin: germline. Observed: 4 variant alleles.

KCCC/NGS Laboratory, Kuwait Cancer Control Center
Classification: Benign for Aldosterone-producing adenoma with seizures and neurological abnormalities. Last evaluated: 2023-07-07. Review status: criteria provided, single submitter. Criteria: ACMG Guidelines, 2015. Collection method: clinical testing. Allele origin: germline. Affected: yes.

Fulgent Genetics
Classification: Benign for Sinoatrial node dysfunction and deafness; Aldosterone-producing adenoma with seizures and neurological abnormalities. Last evaluated: 2021-09-08. Review status: criteria provided, single submitter. Criteria: ACMG Guidelines, 2015. Collection method: clinical testing. Allele origin: unknown.

Genetic Services Laboratory, University of Chicago
Classification: Benign. Last evaluated: 2021-03-18. Review status: criteria provided, single submitter. Criteria: ACMG Guidelines, 2015. Collection method: clinical testing. Allele origin: germline. Affected: no.

GeneDx
Classification: Benign. Last evaluated: 2019-02-22. Review status: criteria provided, single submitter. Criteria: GeneDx Variant Classification Process June 2021. Collection method: clinical testing. Allele origin: germline. Affected: yes.

Athena Diagnostics
Classification: Benign. Last evaluated: 2018-11-05. Review status: criteria provided, single submitter. Criteria: Athena Diagnostics Criteria. Collection method: clinical testing. Allele origin: germline.

Laboratory for Molecular Medicine, Mass General Brigham Personalized Medicine
Classification: Benign. Last evaluated: 2014-11-24. Review status: criteria provided, single submitter. Criteria: LMM Criteria. Collection method: clinical testing. Allele origin: germline. Observed: 8 variant alleles.
Comment: Ala318Ala in exon 7 of CACNA1D: This variant is not expected to have clinical si gnificance because it does not alter an amino acid residue and is not located wi thin the splice consensus sequence. It has been identified in 0.6% (52/8600) of European American chromosomes from a broad population by the NHLBI Exome Sequenc ing Project (dbSNP rs147336902).

PreventionGenetics, part of Exact Sciences
Classification: Likely benign for CACNA1D-related condition. Last evaluated: 2019-07-22. Review status: no assertion criteria provided. Collection method: clinical testing. Allele origin: germline. Not counted in ClinVar's aggregate classification.
Comment: This variant is classified as likely benign based on ACMG/AMP sequence variant interpretation guidelines (Richards et al. 2015 PMID: 25741868, with internal and published modifications).

Clinical Genetics DNA and cytogenetics Diagnostics Lab, Erasmus MC, Erasmus Medical Center
Classification: Likely benign. Review status: no assertion criteria provided. Collection method: clinical testing. Allele origin: germline. Affected: yes. Study: VKGL Data-share Consensus. Not counted in ClinVar's aggregate classification.

Clinical Genetics, Academic Medical Center
Classification: Benign. Review status: no assertion criteria provided. Collection method: clinical testing. Allele origin: germline. Affected: yes. Study: VKGL Data-share Consensus. Not counted in ClinVar's aggregate classification.